The following is an entry in ClinVar:

NM_000465.4(BARD1):c.1729_1810+8dup

Gene: BARD1 (BRCA1 associated RING domain 1; minus strand). Cytogenetic location: 2q35.
Variant type: Duplication.
Coding change: c.1729_1810+8dup on transcript NM_000465.4 (MANE Select); coding-DNA position 1729 through 8 bases into the intron after coding-DNA position 1810, 90 bases duplicated.
Molecular consequence: splice donor variant. On other transcripts: intron variant (1).
Genome position (GRCh38, 1-based): chr2:214,745,714-214,745,803, 90 bases duplicated. GRCh37 (hg19): chr2:215,610,438-215,610,527.
Other names: c.319_400+8dup (NM_001282548.2); c.1672_1753+8dup (NM_001282543.2); c.376_457+8dup (NM_001282545.2); c.365-15295_365-15206dup (NM_001282549.2).
Identifiers: ClinVar variation 5032810 (VCV005032810.1).

ClinVar aggregate classification (germline): Uncertain significance (1 of 4 stars; one submission).

Conditions:
Hereditary cancer-predisposing syndrome. Also called: Neoplastic Syndromes, Hereditary; Tumor predisposition; Hereditary neoplastic syndrome; Hereditary Cancer Syndrome. Identifiers: Orphanet 140162, MedGen C0027672, MeSH D009386, MONDO:0015356.

Submission:

Ambry Genetics
Classification: Uncertain significance for Hereditary cancer-predisposing syndrome. Last evaluated: 2026-08-13. Review status: criteria provided, single submitter. Criteria: Ambry Variant Classification Scheme 2023. Collection method: clinical testing. Allele origin: germline.
Comment: The c.1729_1810+8dup90 intronic variant begins 8 nucleotide(s) after coding exon 8 in the BARD1 gene. This variant results from a duplication of 90 nucleotides at positions c.1729 to c.1810+8. In silico splice site analysis predicts that this alteration will result in the creation or strengthening of a novel splice donor site. A resulting transcript is predicted to be in-frame and is not expected to trigger nonsense-mediated mRNA decay; although, direct evidence is unavailable. Based on the available evidence, the clinical significance of this variant remains unclear.